The following is an entry in ClinVar:

NM_001374353.1(GLI2):c.1738A>G (p.Lys580Glu)

Gene: GLI2 (GLI family zinc finger 2; plus strand). Cytogenetic location: 2q14.2.
Variant type: single nucleotide variant.
Coding change: c.1738A>G on transcript NM_001374353.1 (MANE Select); coding-DNA position 1738, A replaced by G.
Protein change: p.Lys580Glu; replaces lysine 580 with glutamic acid.
Molecular consequence: missense variant.
Genome position (GRCh38, 1-based): chr2:120,984,576, A>G. VCF-style: chr2-120984576-A-G. GRCh37 (hg19) VCF-style: chr2-121742152-A-G.
Other names: c.1789A>G, p.Lys597Glu (NM_001371271.1, NM_005270.5); c.1363A>G, p.Lys455Glu (NM_001374354.1); short protein forms K455E, K580E, K597E.
Identifiers: ClinVar variation 1803429 (VCV001803429.1), dbSNP rs2467749610, ClinGen allele CA348162961.

ClinVar aggregate classification (germline): Uncertain significance (1 of 4 stars; one submission).

Submission:

GeneDx
Classification: Uncertain significance. Last evaluated: 2022-06-10. Review status: criteria provided, single submitter. Criteria: GeneDx Variant Classification Process June 2021. Collection method: clinical testing. Allele origin: germline. Affected: yes.
Comment: Not observed at significant frequency in large population cohorts (gnomAD); In silico analysis supports that this missense variant has a deleterious effect on protein structure/function; Has not been previously published as pathogenic or benign to our knowledge